The following is an entry in ClinVar:

ClinVar aggregate classification (germline): Uncertain significance (1 of 4 stars; one submission).

Conditions:
DMD-related disorder. Also called: DMD-related condition.

gnomAD v4.1: 1 of 1,208,805 alleles (0.000083%); highest among the groups gnomAD compares: Admixed American, 0.0022%; no homozygotes.

Submission:

PreventionGenetics, part of Exact Sciences
Classification: Uncertain significance for DMD-related condition. Last evaluated: 2022-09-22. Review status: criteria provided, single submitter. Criteria: ACMG Guidelines, 2015. Collection method: clinical testing. Allele origin: germline.
Comment: The DMD c.4876G>T variant is predicted to result in the amino acid substitution p.Val1626Leu. To our knowledge, this variant has not been reported in the literature or in a large population database, indicating this variant is rare. At this time, the clinical significance of this variant is uncertain due to the absence of conclusive functional and genetic evidence.

NM_004006.3(DMD):c.4876G>T (p.Val1626Leu)

Gene: DMD (dystrophin; minus strand). Cytogenetic location: Xp21.1.
Variant type: single nucleotide variant.
Coding change: c.4876G>T on transcript NM_004006.3 (MANE Select); coding-DNA position 4876, G replaced by T.
Protein change: p.Val1626Leu; replaces valine 1626 with leucine.
Molecular consequence: missense variant.
Genome position (GRCh38, 1-based): chrX:32,365,169, C>A on the plus strand (G>T on the coding strand, the complement: DMD is on the minus strand). VCF-style: chrX-32365169-C-A. GRCh37 (hg19) VCF-style: chrX-32383286-C-A.
Other names: c.4852G>T, p.Val1618Leu (NM_000109.4); c.4864G>T, p.Val1622Leu (NM_004009.3); c.4507G>T, p.Val1503Leu (NM_004010.3); c.853G>T, p.Val285Leu (NM_004011.4); c.844G>T, p.Val282Leu (NM_004012.4); short protein forms V1503L, V1618L, V1622L, V1626L, V282L, V285L.
Identifiers: ClinVar variation 2637398 (VCV002637398.1), dbSNP rs776998846, ClinGen allele CA412672451.